The following is an entry in ClinVar:

ClinVar aggregate classification (germline): Likely benign (1 of 4 stars; one submission).

Conditions:
TSC1-related disorder. Also called: TSC1-related condition.

Submission:

PreventionGenetics, part of Exact Sciences
Classification: Likely benign for TSC1-related condition. Last evaluated: 2026-08-24. Review status: criteria provided, single submitter. Criteria: ACMG Guidelines, 2015. Collection method: clinical testing. Allele origin: germline.
Comment: This variant is classified as likely benign based on ACMG/AMP sequence variant interpretation guidelines (Richards et al. 2015 PMID: 25741868, with internal and published modifications).

NM_000368.5(TSC1):c.363+664A>G

Gene: TSC1 (TSC complex subunit 1; minus strand). Cytogenetic location: 9q34.13.
Variant type: single nucleotide variant.
Coding change: c.363+664A>G on transcript NM_000368.5 (MANE Select); 664 bases into the intron after coding-DNA position 363, A replaced by G.
Molecular consequence: intron variant. On other transcripts: 5 prime UTR variant (2).
Genome position (GRCh38, 1-based): chr9:132,924,923, T>C on the plus strand (A>G on the coding strand, the complement: TSC1 is on the minus strand). VCF-style: chr9-132924923-T-C. GRCh37 (hg19) VCF-style: chr9-135800310-T-C.
Other names: c.-109A>G (NM_001406615.1, NM_001406623.1); c.-1+664A>G (NM_001406620.1, NM_001406618.1, NM_001406625.1 and 5 more transcripts); c.211-1431A>G (NM_001406613.1, NM_001406612.1, NM_001406610.1 and 2 more transcripts); c.-515+664A>G (NM_001406627.1, NM_001406628.1, NM_001406626.1); c.-657+664A>G (NM_001406629.1); c.363+664A>G (NM_001406603.1, NM_001406609.1, NM_001406597.1 and 16 more transcripts); c.-92-17A>G (NM_001406614.1, NM_001406624.1, NM_001406616.1); c.-731+664A>G (NM_001406630.1).
Identifiers: ClinVar variation 4988567 (VCV004988567.1).